The following is an entry in ClinVar:

NM_007294.4(BRCA1):c.2983A>G (p.Lys995Glu)

Gene: BRCA1 (BRCA1 DNA repair associated; minus strand). Cytogenetic location: 17q21.31.
Variant type: single nucleotide variant.
Coding change: c.2983A>G on transcript NM_007294.4 (MANE Select); coding-DNA position 2983, A replaced by G.
Protein change: p.Lys995Glu; replaces lysine 995 with glutamic acid.
Molecular consequence: missense variant. On other transcripts: intron variant (137).
Genome position (GRCh38, 1-based): chr17:43,092,548, T>C on the plus strand (A>G on the coding strand, the complement: BRCA1 is on the minus strand). VCF-style: chr17-43092548-T-C. GRCh37 (hg19) VCF-style: chr17-41244565-T-C.
Other names: c.647-1516A>G (NM_001408457.1, NM_001408460.1, NM_001408454.1 and 11 more transcripts); c.521-1516A>G (NM_001408505.1, NM_001408504.1, NM_001408503.1); c.461-1516A>G (NM_001408507.1, NM_001408506.1); c.545-1516A>G (NM_001408495.1); c.662-1516A>G (NM_001408448.1, NM_001408445.1, NM_001408432.1 and 6 more transcripts); c.668-1516A>G (NM_001408421.1, NM_001408431.1, NM_001408424.1); c.785-1516A>G (NM_001407991.1, NM_001408407.1, NM_001408402.1 and 13 more transcripts); c.665-1516A>G (NM_001408427.1, NM_001408443.1, NM_001408439.1 and 12 more transcripts); and 41 more; short protein forms K867E, K883E, K906E, K907E, K924E, K928E, K968E, K969E.
Identifiers: ClinVar variation 1798417 (VCV001798417.4), dbSNP rs879255315, ClinGen allele CA10596032.

ClinVar aggregate classification (germline): Conflicting classifications of pathogenicity. Review status: criteria provided, conflicting classifications (1 of 4 stars). 2 submissions from 2 submitters: Uncertain significance (1); Likely benign (1). Last evaluated 2023-03-23.

Conditions:
Hereditary cancer-predisposing syndrome. Also called: Neoplastic Syndromes, Hereditary; Tumor predisposition; Hereditary Cancer Syndrome; Hereditary neoplastic syndrome. Identifiers: Orphanet 140162, MedGen C0027672, MeSH D009386, MONDO:0015356.

Allele frequency attached by ClinVar (database versions not stated): gnomAD exomes below 0.00001.
gnomAD v4.1: 1 of 1,614,112 alleles (0.000062%); highest among the groups gnomAD compares: East Asian, 0.0022%; no homozygotes.

Submissions (2):

University of Washington Department of Laboratory Medicine, University of Washington
Classification: Likely benign for Hereditary cancer-predisposing syndrome. Last evaluated: 2023-03-23. Review status: criteria provided, single submitter. Criteria: Dines et al. (Genet Med. 2020). Collection method: curation. Allele origin: germline.
Comment: Missense variant in a coldspot region where missense variants are very unlikely to be pathogenic (PMID:31911673).

BRCA1 coldspot (exon 11 using historical exon numbering). Reclassification based on statistical prior probability

Ambry Genetics
Classification: Uncertain significance for Hereditary cancer-predisposing syndrome. Last evaluated: 2017-11-27. Review status: criteria provided, single submitter. Criteria: Ambry Variant Classification Scheme 2023. Collection method: clinical testing. Allele origin: germline.
Comment: The p.K995E variant (also known as c.2983A>G), located in coding exon 9 of the BRCA1 gene, results from an A to G substitution at nucleotide position 2983. The lysine at codon 995 is replaced by glutamic acid, an amino acid with similar properties. This amino acid position is not well conserved in available vertebrate species. In addition, this alteration is predicted to be tolerated by in silico analysis. Since supporting evidence is limited at this time, the clinical significance of this alteration remains unclear.